The following is an entry in ClinVar:

NM_000179.3(MSH6):c.3489A>G (p.Glu1163=)

Gene: MSH6 (mutS homolog 6; plus strand). Cytogenetic location: 2p16.3.
Variant type: single nucleotide variant.
Coding change: c.3489A>G on transcript NM_000179.3 (MANE Select); coding-DNA position 3489, A replaced by G.
Protein change: p.Glu1163=; no amino-acid change (glutamic acid 1163 retained).
Molecular consequence: synonymous variant. On other transcripts: non-coding transcript variant (4).
Genome position (GRCh38, 1-based): chr2:47,804,960, A>G. VCF-style: chr2-47804960-A-G. GRCh37 (hg19) VCF-style: chr2-48032099-A-G.
Other names: c.3099A>G, p.Glu1033= (NM_001281492.2); c.2583A>G, p.Glu861= (NM_001281493.2, NM_001281494.2, NM_001406811.1 and 6 more transcripts); c.3585A>G, p.Glu1195= (NM_001406795.1, NM_001406802.1); c.3489A>G, p.Glu1163= (NM_001406796.1, NM_001406800.1, NM_001406808.1 and 1 more transcripts); c.3192A>G, p.Glu1064= (NM_001406797.1, NM_001406801.1, NM_001406805.1 and 10 more transcripts); c.3315A>G, p.Glu1105= (NM_001406798.1); c.2964A>G, p.Glu988= (NM_001406799.1, NM_001406806.1, NM_001406807.1); c.2625A>G, p.Glu875= (NM_001406803.1); and 7 more.
Identifiers: ClinVar variation 2779006 (VCV002779006.5), dbSNP rs531674673, ClinGen allele CA425997215.
Genomic context (GRCh38, chr2:47,804,960, plus strand): 5'-TCATTCACAGGCTGGCTTATTAGCTGTAATGGCCCAGATGGGTTGTTACGTCCCTGCTGA[A>G]GTGTGCAGGCTCACACCAATTGATAGAGTGTTTACTAGACTTGGTGCCTCAGACAGAATA-3'
Protein context (NP_000170.1, residues 1153-1173): MAQMGCYVPA[Glu1163=]VCRLTPIDRV

ClinVar aggregate classification (germline): Benign/Likely benign. Review status: criteria provided, multiple submitters, no conflicts (2 of 4 stars). 3 submissions from 3 submitters: Benign (1); Likely benign (2). Last evaluated 2026-01-28.

Conditions:
Hereditary nonpolyposis colorectal neoplasms. Identifiers: MedGen C0009405, MeSH D003123.
Lynch syndrome 5 (LYNCH5). Also called: Colorectal cancer, hereditary nonpolyposis, type 5; Hereditary non-polyposis colorectal cancer, type 5. Identifiers: Orphanet 144, MedGen C1833477, MONDO:0013710, OMIM 614350. Disease mechanism: loss of function.
Hereditary cancer-predisposing syndrome. Also called: Neoplastic Syndromes, Hereditary; Tumor predisposition; Hereditary Cancer Syndrome; Hereditary neoplastic syndrome. Identifiers: Orphanet 140162, MedGen C0027672, MeSH D009386, MONDO:0015356.

gnomAD v4.1: 2 of 1,614,158 alleles (0.00012%); highest among the groups gnomAD compares: Non-Finnish European, 0.00017%; no homozygotes.

Submissions (3):

Labcorp Genetics (formerly Invitae), Labcorp
Classification: Likely benign for Hereditary nonpolyposis colorectal neoplasms. Last evaluated: 2026-01-28. Review status: criteria provided, single submitter. Criteria: Invitae Variant Classification Sherloc (09022015). Collection method: clinical testing. Allele origin: germline.

Ambry Genetics
Classification: Likely benign for Hereditary cancer-predisposing syndrome. Last evaluated: 2025-03-06. Review status: criteria provided, single submitter. Criteria: Ambry Variant Classification Scheme 2023. Collection method: clinical testing. Allele origin: germline.

Myriad Genetics, Inc.
Classification: Benign for Lynch syndrome 5. Last evaluated: 2025-01-07. Review status: criteria provided, single submitter. Criteria: Myriad Autosomal Dominant, Autosomal Recessive and X-Linked Classification Criteria (2023). Collection method: clinical testing. Allele origin: unknown.
Comment: This variant is considered benign. This variant is a silent/synonymous amino acid change and it is not expected to impact splicing.